The following is an entry in ClinVar:

ClinVar aggregate classification (germline): Uncertain significance. Review status: criteria provided, multiple submitters, no conflicts (2 of 4 stars). 2 submissions from 2 submitters: Uncertain significance (2). Last evaluated 2024-09-21.

Conditions:
Hereditary cancer-predisposing syndrome. Also called: Neoplastic Syndromes, Hereditary; Tumor predisposition; Hereditary Cancer Syndrome; Hereditary neoplastic syndrome. Identifiers: Orphanet 140162, MedGen C0027672, MeSH D009386, MONDO:0015356.

Allele frequency attached by ClinVar (database versions not stated): gnomAD exomes below 0.00001; ExAC 0.00001.
gnomAD v4.1: 1 of 1,613,208 alleles (0.000062%); highest among the groups gnomAD compares: Admixed American, 0.0017%; no homozygotes.

Submissions (2):

Ambry Genetics
Classification: Uncertain significance for Hereditary cancer-predisposing syndrome. Last evaluated: 2024-09-21. Review status: criteria provided, single submitter. Criteria: Ambry Variant Classification Scheme 2023. Collection method: clinical testing. Allele origin: germline.
Comment: The p.E847G variant (also known as c.2540A>G), located in coding exon 4 of the MSH6 gene, results from an A to G substitution at nucleotide position 2540. The glutamic acid at codon 847 is replaced by glycine, an amino acid with similar properties. This amino acid position is highly conserved in available vertebrate species. In addition, this alteration is predicted to be deleterious by in silico analysis. Based on the available evidence, the clinical significance of this variant remains unclear.

Color Diagnostics, LLC DBA Color Health
Classification: Uncertain significance for Hereditary cancer-predisposing syndrome. Last evaluated: 2019-03-13. Review status: criteria provided, single submitter. Criteria: ACMG Guidelines, 2015. Collection method: clinical testing. Allele origin: germline.

NM_000179.3(MSH6):c.2540A>G (p.Glu847Gly)

Gene: MSH6 (mutS homolog 6; plus strand). Cytogenetic location: 2p16.3.
Variant type: single nucleotide variant.
Coding change: c.2540A>G on transcript NM_000179.3 (MANE Select); coding-DNA position 2540, A replaced by G.
Protein change: p.Glu847Gly; replaces glutamic acid 847 with glycine.
Molecular consequence: missense variant.
Genome position (GRCh38, 1-based): chr2:47,800,523, A>G. VCF-style: chr2-47800523-A-G. GRCh37 (hg19) VCF-style: chr2-48027662-A-G.
Other names: c.2150A>G, p.Glu717Gly (NM_001281492.2); c.1634A>G, p.Glu545Gly (NM_001281493.2, NM_001281494.2); short protein forms E545G, E847G, E717G.
Identifiers: ClinVar variation 920758 (VCV000920758.3), dbSNP rs749648487, ClinGen allele CA069160.